The following is an entry in ClinVar:

NM_001164508.2(NEB):c.19097G>A (p.Ser6366Asn)

Gene: NEB (nebulin; minus strand). Cytogenetic location: 2q23.3.
Variant type: single nucleotide variant.
Coding change: c.19097G>A on transcript NM_001164508.2 (MANE Select); coding-DNA position 19097, G replaced by A.
Protein change: p.Ser6366Asn; replaces serine 6366 with asparagine.
Molecular consequence: missense variant.
Genome position (GRCh38, 1-based): chr2:151,561,212, C>T on the plus strand (G>A on the coding strand, the complement: NEB is on the minus strand). VCF-style: chr2-151561212-C-T. GRCh37 (hg19) VCF-style: chr2-152417726-C-T.
Other names: c.13994G>A (NM_004543.4); c.19097G>A, p.Ser6366Asn (NM_001164507.2, NM_001271208.2); c.13994G>A, p.Ser4665Asn (NM_004543.5); short protein forms S4665N, S6366N.
Identifiers: ClinVar variation 956797 (VCV000956797.11), dbSNP rs191579691, ClinGen allele CA1907774.

ClinVar aggregate classification (germline): Uncertain significance. Review status: criteria provided, multiple submitters, no conflicts (2 of 4 stars). 3 submissions from 3 submitters: Uncertain significance (2). 1 of the submissions does not count toward it. Last evaluated 2025-12-02.

Conditions:
Nemaline myopathy 2 (NEM2). Also called: Nemaline myopathy 2, autosomal recessive. Identifiers: MedGen C1850569, MONDO:0009725, OMIM 256030.
Inborn genetic diseases. Identifiers: MedGen C0950123, MeSH D030342.

gnomAD v4.1: 14 of 1,603,452 alleles (0.00087%); highest among the groups gnomAD compares: Non-Finnish European, 0.0012%; no homozygotes.

Submissions (3):

Ambry Genetics
Classification: Uncertain significance for Inborn genetic diseases. Last evaluated: 2025-12-02. Review status: criteria provided, single submitter. Criteria: Ambry Variant Classification Scheme 2023. Collection method: clinical testing. Allele origin: germline.

Labcorp Genetics (formerly Invitae), Labcorp
Classification: Uncertain significance for Nemaline myopathy 2. Last evaluated: 2024-02-05. Review status: criteria provided, single submitter. Criteria: Invitae Variant Classification Sherloc (09022015). Collection method: clinical testing. Allele origin: germline.
Comment: This sequence change replaces serine, which is neutral and polar, with asparagine, which is neutral and polar, at codon 6366 of the NEB protein (p.Ser6366Asn). This variant is present in population databases (rs191579691, gnomAD 0.002%). This variant has not been reported in the literature in individuals affected with NEB-related conditions. ClinVar contains an entry for this variant (Variation ID: 956797). Experimental studies and prediction algorithms are not available or were not evaluated, and the functional significance of this variant is currently unknown. This variant disrupts the p.Ser6366 amino acid residue in NEB. Other variant(s) that disrupt this residue have been determined to be pathogenic (PMID: 15336686, 16917880, 17525139). This suggests that this residue is clinically significant, and that variants that disrupt this residue are likely to be disease-causing. In summary, the available evidence is currently insufficient to determine the role of this variant in disease. Therefore, it has been classified as a Variant of Uncertain Significance.

Natera, Inc.
Classification: Uncertain significance for Nemaline myopathy type 2. Last evaluated: 2020-02-26. Review status: no assertion criteria provided. Collection method: clinical testing. Allele origin: germline. Not counted in ClinVar's aggregate classification.

Literature cited by the submitters: PubMed 15336686 (cited by Labcorp Genetics (formerly Invitae), Labcorp); PubMed 16917880 (cited by Labcorp Genetics (formerly Invitae), Labcorp); PubMed 17525139 (cited by Labcorp Genetics (formerly Invitae), Labcorp).